The following is an entry in ClinVar:

NM_004544.4(NDUFA10):c.804+174C>T

Gene: NDUFA10 (NADH:ubiquinone oxidoreductase subunit A10; minus strand). Cytogenetic location: 2q37.3.
Variant type: single nucleotide variant.
Coding change: c.804+174C>T on transcript NM_004544.4 (MANE Select); 174 bases into the intron after coding-DNA position 804, C replaced by T.
Molecular consequence: intron variant.
Genome position (GRCh38, 1-based): chr2:240,007,142, G>A on the plus strand (C>T on the coding strand, the complement: NDUFA10 is on the minus strand). VCF-style: chr2-240007142-G-A. GRCh37 (hg19) VCF-style: chr2-240946559-G-A.
Other names: c.804+174C>T (NM_001322020.2, NM_001322019.2).
Identifiers: ClinVar variation 669879 (VCV000669879.1), dbSNP rs6713039, ClinGen allele CA11052561.

ClinVar aggregate classification (germline): Benign (1 of 4 stars; one submission).

Allele frequency attached by ClinVar (database versions not stated): 1000 Genomes Project 0.16833; 1000 Genomes Project 30x 0.17130; gnomAD 0.18256 and 0.18651; TOPMed 0.18702.
gnomAD v4.1: 27,769 of 152,082 alleles (18%); highest among the groups gnomAD compares: African/African-American, 26%; 2,809 homozygotes.

Submission:

GeneDx
Classification: Benign. Last evaluated: 2018-06-14. Review status: criteria provided, single submitter. Criteria: GeneDx Variant Classification (06012015). Collection method: clinical testing. Allele origin: germline. Affected: yes.
Comment: This variant is considered likely benign or benign based on one or more of the following criteria: it is a conservative change, it occurs at a poorly conserved position in the protein, it is predicted to be benign by multiple in silico algorithms, and/or has population frequency not consistent with disease.